The following is an entry in ClinVar:

NM_001429.4(EP300):c.7083_7085dup (p.Gly2362_His2363insGly)

Gene: EP300 (E1A binding protein p300; plus strand). Cytogenetic location: 22q13.2.
Variant type: Duplication.
Coding change: c.7083_7085dup on transcript NM_001429.4 (MANE Select); coding-DNA positions 7083 to 7085, 3 bases duplicated (AGG; older notation c.7083_7085dupAGG).
Protein change: p.Gly2362_His2363insGly.
Molecular consequence: inframe insertion.
Genome position (GRCh38, 1-based): chr22:41,178,794-41,178,796, AGG duplicated. VCF-style (leftmost placement, unchanged base first): chr22-41178793-A-AAGG. GRCh37 (hg19) VCF-style: chr22-41574797-A-AAGG.
Other names: c.7005_7007dup, p.Gly2336_His2337insGly (NM_001362843.2).
Identifiers: ClinVar variation 1800710 (VCV001800710.1), dbSNP rs2517836052, ClinGen allele CA2580099853.

ClinVar aggregate classification (germline): Uncertain significance (1 of 4 stars; one submission).

Submission:

GeneDx
Classification: Uncertain significance. Last evaluated: 2022-05-18. Review status: criteria provided, single submitter. Criteria: GeneDx Variant Classification Process June 2021. Collection method: clinical testing. Allele origin: germline. Affected: yes.
Comment: Not observed at significant frequency in large population cohorts (gnomAD); In-frame insertion of 1 amino acid in a non-repeat region; Has not been previously published as pathogenic or benign to our knowledge